The following is an entry in ClinVar:

NM_001015880.2(PAPSS2):c.381+17_381+24dup

Gene: PAPSS2 (3'-phosphoadenosine 5'-phosphosulfate synthase 2; plus strand). Cytogenetic location: 10q23.31.
Variant type: Duplication.
Coding change: c.381+17_381+24dup on transcript NM_001015880.2 (MANE Select); bases 17 to 24 of the intron after coding-DNA position 381, 8 bases duplicated (AAAAAAAA; older notation c.381+17_381+24dupAAAAAAAA).
Molecular consequence: intron variant.
Genome position (GRCh38, 1-based): chr10:87,713,327-87,713,334, AAAAAAAA duplicated; duplicating any 8 consecutive bases within chr10:87,713,313-87,713,334 gives the same sequence; the c. name uses the placement nearest the transcript's 3' end. VCF-style (leftmost placement, unchanged base first): chr10-87713312-T-TAAAAAAAA. GRCh37 (hg19) VCF-style: chr10-89473069-T-TAAAAAAAA.
Other names: c.381+17_381+24dup (NM_004670.4).
Identifiers: ClinVar variation 4533705 (VCV004533705.6).
Genomic context (GRCh38, chr10:87,713,312, plus strand): 5'-AGCTGTTTGCTGATGCTGGTCTGGTCTGCATTACCAGCTTTATTTCTCCATTCGCAAAGG[T>TAAAAAAAA]AAAAAAAAAAAAAAAAAAAAAAGGCACTACACACGATTCCCACACACAGTGCAAGTGCTC-3'

ClinVar aggregate classification (germline): Likely benign (1 of 4 stars; one submission).

Submission:

CeGaT Center for Human Genetics Tuebingen
Classification: Likely benign. Last evaluated: 2025-10-01. Review status: criteria provided, single submitter. Criteria: CeGaT Center For Human Genetics Tuebingen Variant Classification Criteria Version 2. Collection method: clinical testing. Allele origin: germline. Affected: yes. Observed: 1 variant allele.
Comment: PAPSS2: BS2